The following is an entry in ClinVar:

ClinVar aggregate classification (germline): Likely benign. Review status: criteria provided, multiple submitters, no conflicts (2 of 4 stars). 2 submissions from 2 submitters: Likely benign (2). Last evaluated 2025-11-05.

Conditions:
HNRNPU-related disorder. Also called: HNRNPU-related condition.
Developmental and epileptic encephalopathy, 54. Also called: HNRNPU-Related Neurodevelopmental Disorder; Epileptic encephalopathy, early infantile, 54. Identifiers: MedGen C4479319, MONDO:0033363, OMIM 617391.

Submissions (2):

PreventionGenetics, part of Exact Sciences
Classification: Likely benign for HNRNPU-related condition. Last evaluated: 2025-11-05. Review status: criteria provided, single submitter. Criteria: ACMG Guidelines, 2015. Collection method: clinical testing. Allele origin: germline.
Comment: This variant is classified as likely benign based on ACMG/AMP sequence variant interpretation guidelines (Richards et al. 2015 PMID: 25741868, with internal and published modifications).

Labcorp Genetics (formerly Invitae), Labcorp
Classification: Likely benign for Developmental and epileptic encephalopathy, 54. Last evaluated: 2024-01-22. Review status: criteria provided, single submitter. Criteria: Invitae Variant Classification Sherloc (09022015). Collection method: clinical testing. Allele origin: germline.

NM_031844.3(HNRNPU):c.1764C>A (p.Ala588=)

Gene: HNRNPU (heterogeneous nuclear ribonucleoprotein U; minus strand). Cytogenetic location: 1q44.
Variant type: single nucleotide variant.
Coding change: c.1764C>A on transcript NM_031844.3 (MANE Select); coding-DNA position 1764, C replaced by A.
Protein change: p.Ala588=; no amino-acid change (alanine 588 retained).
Molecular consequence: synonymous variant.
Genome position (GRCh38, 1-based): chr1:244,856,605, G>T on the plus strand (C>A on the coding strand, the complement: HNRNPU is on the minus strand). VCF-style: chr1-244856605-G-T. GRCh37 (hg19) VCF-style: chr1-245019907-G-T.
Other names: c.1764C>A (NM_031844.2); c.1707C>A, p.Ala569= (NM_004501.3).
Identifiers: ClinVar variation 2709336 (VCV002709336.4), dbSNP rs1338297195, ClinGen allele CA424402051.